The following is an entry in ClinVar:

NM_000268.4(NF2):c.1149G>A (p.Leu383=)

Gene: NF2 (NF2, moesin-ezrin-radixin like (MERLIN) tumor suppressor; plus strand). Cytogenetic location: 22q12.2.
Variant type: single nucleotide variant.
Coding change: c.1149G>A on transcript NM_000268.4 (MANE Select); coding-DNA position 1149, G replaced by A.
Protein change: p.Leu383=; no amino-acid change (leucine 383 retained).
Molecular consequence: synonymous variant. On other transcripts: non-coding transcript variant (1), intron variant (1).
Genome position (GRCh38, 1-based): chr22:29,673,295, G>A. VCF-style: chr22-29673295-G-A. GRCh37 (hg19) VCF-style: chr22-30069284-G-A.
Other names: c.1149G>A, p.Leu383= (NM_016418.5, NM_181825.3, NM_181832.3); c.1023G>A, p.Leu341= (NM_181828.3); c.1026G>A, p.Leu342= (NM_181829.3); c.900G>A, p.Leu300= (NM_181830.3, NM_181831.3); c.448-21457G>A (NM_181833.3).
Identifiers: ClinVar variation 1665693 (VCV001665693.18), dbSNP rs2147082336, ClinGen allele CA514185879.

ClinVar aggregate classification (germline): Likely benign. Review status: criteria provided, multiple submitters, no conflicts (2 of 4 stars). 3 submissions from 3 submitters: Likely benign (3). Last evaluated 2025-08-01.

Conditions:
Hereditary cancer-predisposing syndrome. Also called: Hereditary Cancer Syndrome; Neoplastic Syndromes, Hereditary; Hereditary neoplastic syndrome; Tumor predisposition. Identifiers: Orphanet 140162, MedGen C0027672, MeSH D009386, MONDO:0015356.
Neurofibromatosis, type 2 (SWNV). Also called: BILATERAL ACOUSTIC NEUROFIBROMATOSIS; SCHWANNOMATOSIS, VESTIBULAR; NF2-Related Schwannomatosis. Identifiers: Orphanet 637, MedGen C0027832, MONDO:0007039, OMIM 101000. Disease mechanism: loss of function.

Submissions (3):

CeGaT Center for Human Genetics Tuebingen
Classification: Likely benign. Last evaluated: 2025-08-01. Review status: criteria provided, single submitter. Criteria: CeGaT Center For Human Genetics Tuebingen Variant Classification Criteria Version 2. Collection method: clinical testing. Allele origin: germline. Affected: yes. Observed: 1 variant allele.
Comment: NF2: PM2:Supporting, BP4, BP7

Labcorp Genetics (formerly Invitae), Labcorp
Classification: Likely benign for Neurofibromatosis, type 2. Last evaluated: 2022-02-02. Review status: criteria provided, single submitter. Criteria: Invitae Variant Classification Sherloc (09022015). Collection method: clinical testing. Allele origin: germline.

Ambry Genetics
Classification: Likely benign for Hereditary cancer-predisposing syndrome. Last evaluated: 2021-10-05. Review status: criteria provided, single submitter. Criteria: Ambry Variant Classification Scheme 2023. Collection method: clinical testing. Allele origin: germline.